The following is an entry in ClinVar:

NM_014915.3(ANKRD26):c.2480T>C (p.Val827Ala)

Gene: ANKRD26 (ankyrin repeat domain 26; minus strand). Cytogenetic location: 10p12.1.
Variant type: single nucleotide variant.
Coding change: c.2480T>C on transcript NM_014915.3 (MANE Select); coding-DNA position 2480, T replaced by C.
Protein change: p.Val827Ala; replaces valine 827 with alanine.
Molecular consequence: missense variant.
Genome position (GRCh38, 1-based): chr10:27,037,950, A>G on the plus strand (T>C on the coding strand, the complement: ANKRD26 is on the minus strand). VCF-style: chr10-27037950-A-G. GRCh37 (hg19) VCF-style: chr10-27326879-A-G.
Other names: c.2477T>C, p.Val826Ala (NM_001256053.2); short protein forms V826A, V827A.
Identifiers: ClinVar variation 2907968 (VCV002907968.4), dbSNP rs199850300, ClinGen allele CA204450850.

ClinVar aggregate classification (germline): Uncertain significance. Review status: criteria provided, multiple submitters, no conflicts (2 of 4 stars). 2 submissions from 2 submitters: Uncertain significance (2). Last evaluated 2025-08-14.

Conditions:
Inborn genetic diseases. Identifiers: MedGen C0950123, MeSH D030342.

Allele frequency attached by ClinVar (database versions not stated): TOPMed 0.00001; gnomAD exomes 0.00001; gnomAD 0.00001.
gnomAD v4.1: 9 of 1,613,176 alleles (0.00056%); highest among the groups gnomAD compares: South Asian, 0.0011%; no homozygotes.

Submissions (2):

Labcorp Genetics (formerly Invitae), Labcorp
Classification: Uncertain significance. Last evaluated: 2025-08-14. Review status: criteria provided, single submitter. Criteria: Invitae Variant Classification Sherloc (09022015). Collection method: clinical testing. Allele origin: germline.
Comment: This sequence change replaces valine, which is neutral and non-polar, with alanine, which is neutral and non-polar, at codon 827 of the ANKRD26 protein (p.Val827Ala). The frequency data for this variant in the population databases is considered unreliable, as metrics indicate poor data quality at this position in the gnomAD database. This variant has not been reported in the literature in individuals affected with ANKRD26-related conditions. ClinVar contains an entry for this variant (Variation ID: 2907968). An algorithm developed to predict the effect of missense changes on protein structure and function (PolyPhen-2) suggests that this variant is likely to be disruptive. In summary, the available evidence is currently insufficient to determine the role of this variant in disease. Therefore, it has been classified as a Variant of Uncertain Significance.

Ambry Genetics
Classification: Uncertain significance for Inborn genetic diseases. Last evaluated: 2024-11-25. Review status: criteria provided, single submitter. Criteria: Ambry Variant Classification Scheme 2023. Collection method: clinical testing. Allele origin: germline.
Comment: The p.V827A variant (also known as c.2480T>C), located in coding exon 22 of the ANKRD26 gene, results from a T to C substitution at nucleotide position 2480. The valine at codon 827 is replaced by alanine, an amino acid with similar properties. This amino acid position is conserved. In addition, this alteration is predicted to be tolerated by in silico analysis. Based on the available evidence, the clinical significance of this variant remains unclear.